The following is an entry in ClinVar:

ClinVar aggregate classification (germline): Benign/Likely benign. Review status: criteria provided, multiple submitters, no conflicts (2 of 4 stars). 3 submissions from 3 submitters: Benign (1); Likely benign (2). Last evaluated 2026-01-25.

Conditions:
Androgen resistance syndrome (AIS). Also called: ANDROGEN RECEPTOR DEFICIENCY; DIHYDROTESTOSTERONE RECEPTOR DEFICIENCY; TESTICULAR FEMINIZATION SYNDROME; Androgen insensitivity syndrome due to coactivator deficiency; Androgen insensitivity syndrome; Androgen insensitivity, complete. Identifiers: Orphanet 754, Orphanet 99429, MedGen C0039585, MONDO:0019154, OMIM 300068. Disease mechanism: loss of function.
Kennedy disease (SMAX1). Also called: SPINAL AND BULBAR MUSCULAR ATROPHY, X-LINKED 1; KENNEDY SPINAL AND BULBAR MUSCULAR ATROPHY; Spinal and Bulbar Muscular Atrophy. Identifiers: Orphanet 481, MedGen C1839259, MONDO:0010735, OMIM 313200.

Submissions (3):

Labcorp Genetics (formerly Invitae), Labcorp
Classification: Benign for Kennedy disease; Androgen resistance syndrome. Last evaluated: 2026-01-25. Review status: criteria provided, single submitter. Criteria: Invitae Variant Classification Sherloc (09022015). Collection method: clinical testing. Allele origin: germline.

Blueprint Genetics
Classification: Likely benign. Last evaluated: 2024-11-28. Review status: criteria provided, single submitter. Criteria: ACMG Guidelines, 2015. Collection method: clinical testing. Allele origin: germline.

GeneDx
Classification: Likely benign. Last evaluated: 2017-10-31. Review status: criteria provided, single submitter. Criteria: GeneDx Variant Classification (06012015). Collection method: clinical testing. Allele origin: germline. Affected: yes.
Comment: This variant is considered likely benign or benign based on one or more of the following criteria: it is a conservative change, it occurs at a poorly conserved position in the protein, it is predicted to be benign by multiple in silico algorithms, and/or has population frequency not consistent with disease.

NM_000044.6(AR):c.171GCA[31] (p.Gln73_Gln80dup)

Genes: AR (androgen receptor; plus strand), LOC109504725 (androgen receptor repeat instability region; plus strand). Cytogenetic location: Xq12.
Variant type: Microsatellite.
Coding change: c.171GCA[31] on transcript NM_000044.6 (MANE Select); 31 copies in a row of the 3-base unit GCA starting at c.171; the reference has 23 copies in a row; eight copies, 24 bases duplicated.
Protein change: p.Gln73_Gln80dup.
Molecular consequence: inframe insertion. On other transcripts: 5 prime UTR variant (1).
Genome position (GRCh38, 1-based): chrX:67,545,362-67,545,385, GCAGCAGCAGCAGCAGCAGCAGCA duplicated; duplicating any 24 consecutive bases within chrX:67,545,317-67,545,385 gives the same sequence; the position shown is the placement nearest the transcript's 3' end. VCF-style (leftmost placement, unchanged base first): chrX-67545316-T-TGCAGCAGCAGCAGCAGCAGCAGCA. GRCh37 (hg19) VCF-style: chrX-66765158-T-TGCAGCAGCAGCAGCAGCAGCAGCA.
Other names: c.-1613GCA[31] (NM_001011645.3); c.171GCA[31], p.Gln73_Gln80dup (NM_001348061.1, NM_001348063.1, NM_001348064.1).
Identifiers: ClinVar variation 464794 (VCV000464794.12), dbSNP rs3032358, ClinGen allele CA658658998.